The following is an entry in ClinVar:

ClinVar aggregate classification (germline): Uncertain significance (1 of 4 stars; one submission).

Conditions:
Autosomal recessive hypophosphatemic bone disease (HHRH). Also called: HYPERCALCIURIC RICKETS; Hypophosphatemic rickets with hypercalciuria. Identifiers: Orphanet 157215, MedGen C1853271, MONDO:0009431, OMIM 241530.

gnomAD v4.1: 2 of 1,611,992 alleles (0.00012%); highest among the groups gnomAD compares: Non-Finnish European, 0.00017%; no homozygotes.

Submission:

MVZ Medizinische Genetik Mainz
Classification: Uncertain significance for Autosomal recessive hypophosphatemic bone disease. Last evaluated: 2023-06-22. Review status: criteria provided, single submitter. Criteria: UK Practice Guidelines For Variant Classification V4 01 2020. Collection method: clinical testing. Allele origin: germline. Inheritance: Autosomal dominant inheritance. Affected: yes. Observed: 1 variant allele.
Comment: ACMG Criteria: PM2_SUP

NM_001177316.2(SLC34A3):c.490A>G (p.Asn164Asp)

Gene: SLC34A3 (solute carrier family 34 member 3; plus strand). Cytogenetic location: 9q34.3.
Variant type: single nucleotide variant.
Coding change: c.490A>G on transcript NM_001177316.2 (MANE Select); coding-DNA position 490, A replaced by G.
Protein change: p.Asn164Asp; replaces asparagine 164 with aspartic acid.
Molecular consequence: missense variant.
Genome position (GRCh38, 1-based): chr9:137,233,045, A>G. VCF-style: chr9-137233045-A-G. GRCh37 (hg19) VCF-style: chr9-140127497-A-G.
Other names: c.490A>G, p.Asn164Asp (NM_001177317.2, NM_080877.3); short protein forms N164D.
Identifiers: ClinVar variation 3236388 (VCV003236388.1), dbSNP rs2538803897, ClinGen allele CA375729955.
Genomic context (GRCh38, chr9:137,233,045, plus strand): 5'-TCAGCCCCCCCACCAGCAGTGCTGACTGTCCGGGTGTCTGTGCCCATCATCATGGGTGTC[A>G]ACGTAGGCACATCCATCACCAGCACCCTGGTCTCAATGGCGCAGTCAGGGGACCGGGATG-3'
Protein context (NP_001170787.2, residues 154-174): RVSVPIIMGV[Asn164Asp]VGTSITSTLV